The following is an entry in ClinVar:

ClinVar aggregate classification (germline): Uncertain significance. Review status: criteria provided, multiple submitters, no conflicts (2 of 4 stars). 2 submissions from 2 submitters: Uncertain significance (2). Last evaluated 2023-12-27.

Conditions:
Joubert syndrome. Also called: CEREBELLOPARENCHYMAL DISORDER IV; JOUBERT-BOLTSHAUSER SYNDROME; Familial aplasia of the vermis. Identifiers: Orphanet 475, MedGen C5979921, MONDO:0018772.
Meckel-Gruber syndrome. Also called: DYSENCEPHALIA SPLANCHNOCYSTICA; GRUBER SYNDROME; Dysencephalia splachnocystica. Identifiers: Orphanet 564, MedGen C0265215, MONDO:0018921.
Joubert syndrome 24 (JBTS24). Identifiers: Orphanet 475, MedGen C4084841, MONDO:0014724, OMIM 616654.
Meckel syndrome, type 8. Identifiers: Orphanet 564, MedGen C3836857, MONDO:0013482, OMIM 613885.

Allele frequency attached by ClinVar (database versions not stated): TOPMed below 0.00001.
gnomAD v4.1: 5 of 1,614,022 alleles (0.00031%); highest among the groups gnomAD compares: Middle Eastern, 0.016%; no homozygotes.

Submissions (2):

Fulgent Genetics
Classification: Uncertain significance for Meckel syndrome, type 8; Joubert syndrome 24. Last evaluated: 2023-12-27. Review status: criteria provided, single submitter. Criteria: ACMG Guidelines, 2015. Collection method: clinical testing. Allele origin: germline.

Labcorp Genetics (formerly Invitae), Labcorp
Classification: Uncertain significance for Joubert syndrome; Meckel-Gruber syndrome. Last evaluated: 2022-07-12. Review status: criteria provided, single submitter. Criteria: Invitae Variant Classification Sherloc (09022015). Collection method: clinical testing. Allele origin: germline.
Comment: In summary, the available evidence is currently insufficient to determine the role of this variant in disease. Therefore, it has been classified as a Variant of Uncertain Significance. Algorithms developed to predict the effect of missense changes on protein structure and function are either unavailable or do not agree on the potential impact of this missense change (SIFT: "Deleterious"; PolyPhen-2: "Probably Damaging"; Align-GVGD: "Class C0"). ClinVar contains an entry for this variant (Variation ID: 1403800). This variant has not been reported in the literature in individuals affected with TCTN2-related conditions. This variant is not present in population databases (gnomAD no frequency). This sequence change replaces glycine, which is neutral and non-polar, with cysteine, which is neutral and slightly polar, at codon 38 of the TCTN2 protein (p.Gly38Cys).

NM_024809.5(TCTN2):c.112G>T (p.Gly38Cys)

Gene: TCTN2 (tectonic family member 2; plus strand). Cytogenetic location: 12q24.31.
Variant type: single nucleotide variant.
Coding change: c.112G>T on transcript NM_024809.5 (MANE Select); coding-DNA position 112, G replaced by T.
Protein change: p.Gly38Cys; replaces glycine 38 with cysteine.
Molecular consequence: missense variant.
Genome position (GRCh38, 1-based): chr12:123,671,536, G>T. VCF-style: chr12-123671536-G-T. GRCh37 (hg19) VCF-style: chr12-124156083-G-T.
Other names: c.112G>T, p.Gly38Cys (NM_001143850.3); short protein forms G38C.
Identifiers: ClinVar variation 1403800 (VCV001403800.7), dbSNP rs1955751143, ClinGen allele CA387155022.